The following is an entry in ClinVar:

ClinVar aggregate classification (germline): Uncertain significance (1 of 4 stars; one submission).

Submission:

Labcorp Genetics (formerly Invitae), Labcorp
Classification: Uncertain significance. Last evaluated: 2024-04-25. Review status: criteria provided, single submitter. Criteria: Invitae Variant Classification Sherloc (09022015). Collection method: clinical testing. Allele origin: germline.
Comment: This sequence change replaces leucine, which is neutral and non-polar, with valine, which is neutral and non-polar, at codon 678 of the NLRP1 protein (p.Leu678Val). This variant is not present in population databases (gnomAD no frequency). This variant has not been reported in the literature in individuals affected with NLRP1-related conditions. An algorithm developed to predict the effect of missense changes on protein structure and function (PolyPhen-2) suggests that this variant is likely to be disruptive. In summary, the available evidence is currently insufficient to determine the role of this variant in disease. Therefore, it has been classified as a Variant of Uncertain Significance.

NM_033004.4(NLRP1):c.2032T>G (p.Leu678Val)

Gene: NLRP1 (NLR family pyrin domain containing 1; minus strand). Cytogenetic location: 17p13.2.
Variant type: single nucleotide variant.
Coding change: c.2032T>G on transcript NM_033004.4 (MANE Select); coding-DNA position 2032, T replaced by G.
Protein change: p.Leu678Val; replaces leucine 678 with valine.
Molecular consequence: missense variant.
Genome position (GRCh38, 1-based): chr17:5,558,664, A>C on the plus strand (T>G on the coding strand, the complement: NLRP1 is on the minus strand). VCF-style: chr17-5558664-A-C. GRCh37 (hg19) VCF-style: chr17-5461984-A-C.
Other names: c.2032T>G, p.Leu678Val (NM_001033053.3, NM_014922.5, NM_033006.4 and 1 more transcripts); short protein forms L678V.
Identifiers: ClinVar variation 2827711 (VCV002827711.3), dbSNP rs1037236890, ClinGen allele CA287267917.